The following is an entry in ClinVar:

NM_001164665.2(KIAA1549):c.472G>A (p.Asp158Asn)

Gene: KIAA1549 (KIAA1549; minus strand). Cytogenetic location: 7q34.
Variant type: single nucleotide variant.
Coding change: c.472G>A on transcript NM_001164665.2 (MANE Select); coding-DNA position 472, G replaced by A.
Protein change: p.Asp158Asn; replaces aspartic acid 158 with asparagine.
Molecular consequence: missense variant.
Genome position (GRCh38, 1-based): chr7:138,919,154, C>T on the plus strand (G>A on the coding strand, the complement: KIAA1549 is on the minus strand). VCF-style: chr7-138919154-C-T. GRCh37 (hg19) VCF-style: chr7-138603900-C-T.
Other names: c.472G>A, p.Asp158Asn (NM_020910.3); short protein forms D158N.
Identifiers: ClinVar variation 1904561 (VCV001904561.5), dbSNP rs772657902, ClinGen allele CA4506939.

ClinVar aggregate classification (germline): Uncertain significance (1 of 4 stars; one submission).

Allele frequency attached by ClinVar (database versions not stated): gnomAD 0.00001; TOPMed 0.00001; gnomAD exomes 0.00003.
gnomAD v4.1: 46 of 1,613,920 alleles (0.0029%); highest among the groups gnomAD compares: Non-Finnish European, 0.0039%; no homozygotes.

Submission:

Labcorp Genetics (formerly Invitae), Labcorp
Classification: Uncertain significance. Last evaluated: 2022-03-10. Review status: criteria provided, single submitter. Criteria: Invitae Variant Classification Sherloc (09022015). Collection method: clinical testing. Allele origin: germline.
Comment: This sequence change replaces aspartic acid, which is acidic and polar, with asparagine, which is neutral and polar, at codon 158 of the KIAA1549 protein (p.Asp158Asn). This variant has not been reported in the literature in individuals affected with KIAA1549-related conditions. Algorithms developed to predict the effect of missense changes on protein structure and function are either unavailable or do not agree on the potential impact of this missense change (SIFT: "Deleterious"; PolyPhen-2: "Probably Damaging"; Align-GVGD: "Class C0"). This variant is present in population databases (rs772657902, gnomAD 0.002%). In summary, the available evidence is currently insufficient to determine the role of this variant in disease. Therefore, it has been classified as a Variant of Uncertain Significance.